The following is an entry in ClinVar:

ClinVar aggregate classification (germline): Likely benign (1 of 4 stars; one submission).

Conditions:
Cataract 12 multiple types. Identifiers: Orphanet 91492, MedGen C3808115, MONDO:0012701, OMIM 611597.

Allele frequency attached by ClinVar (database versions not stated): gnomAD 0.00001 and 0.00004; TOPMed 0.00002; gnomAD exomes 0.00014; 1000 Genomes Project 30x 0.00031; 1000 Genomes Project 0.00040.
gnomAD v4.1: 77 of 676,246 alleles (0.011%); highest among the groups gnomAD compares: East Asian, 0.2%; no homozygotes.

Submission:

Illumina Laboratory Services, Illumina
Classification: Likely benign for Cataract 12 multiple types. Last evaluated: 2017-04-27. Review status: criteria provided, single submitter. Criteria: ICSL Variant Classification Criteria 13 December 2019. Collection method: clinical testing. Allele origin: germline.
Comment: This variant was observed as part of a predisposition screen in an ostensibly healthy population. A literature search was performed for the gene, cDNA change, and amino acid change (where applicable). No publications were found based on this search. Allele frequency data from public databases allowed determination this variant is unlikely to cause disease. Therefore, this variant is classified as likely benign.

NM_003571.4(BFSP2):c.*209C>T

Genes: BFSP2-AS1 (BFSP2 antisense RNA 1; minus strand), BFSP2 (beaded filament structural protein 2; plus strand). Cytogenetic location: 3q22.1.
Variant type: single nucleotide variant.
Coding change: c.*209C>T on transcript NM_003571.4 (MANE Select); 209 bases downstream of the stop codon, C replaced by T.
Molecular consequence: 3 prime UTR variant.
Genome position (GRCh38, 1-based): chr3:133,475,181, C>T. VCF-style: chr3-133475181-C-T. GRCh37 (hg19) VCF-style: chr3-133194025-C-T.
Identifiers: ClinVar variation 343417 (VCV000343417.5), dbSNP rs150374124, ClinGen allele CA10614921.